The following is an entry in ClinVar:

NM_014049.5(ACAD9):c.883G>A (p.Val295Met)

Genes: ACAD9 (acyl-CoA dehydrogenase family member 9; plus strand), LOC126806807 (BRD4-independent group 4 enhancer GRCh37_chr3:128620937-128622136; plus strand). Cytogenetic location: 3q21.3.
Variant type: single nucleotide variant.
Coding change: c.883G>A on transcript NM_014049.5 (MANE Select); coding-DNA position 883, G replaced by A.
Protein change: p.Val295Met; replaces valine 295 with methionine.
Molecular consequence: missense variant. On other transcripts: non-coding transcript variant (1).
Genome position (GRCh38, 1-based): chr3:128,902,553, G>A. VCF-style: chr3-128902553-G-A. GRCh37 (hg19) VCF-style: chr3-128621396-G-A.
Other names: c.514G>A, p.Val172Met (NM_001410805.1); short protein forms V172M, V295M.
Identifiers: ClinVar variation 2196171 (VCV002196171.1), dbSNP rs753416567, ClinGen allele CA2601334.

ClinVar aggregate classification (germline): Uncertain significance (1 of 4 stars; one submission).

Allele frequency attached by ClinVar (database versions not stated): ExAC 0.00002; gnomAD 0.00003; TOPMed 0.00003; gnomAD exomes 0.00004.

Submission:

Labcorp Genetics (formerly Invitae), Labcorp
Classification: Uncertain significance. Last evaluated: 2022-06-07. Review status: criteria provided, single submitter. Criteria: Invitae Variant Classification Sherloc (09022015). Collection method: clinical testing. Allele origin: germline.
Comment: This sequence change replaces valine, which is neutral and non-polar, with methionine, which is neutral and non-polar, at codon 295 of the ACAD9 protein (p.Val295Met). This variant is present in population databases (rs753416567, gnomAD 0.0009%). This variant has not been reported in the literature in individuals affected with ACAD9-related conditions. Algorithms developed to predict the effect of missense changes on protein structure and function are either unavailable or do not agree on the potential impact of this missense change (SIFT: "Deleterious"; PolyPhen-2: "Probably Damaging"; Align-GVGD: "Class C0"). Algorithms developed to predict the effect of sequence changes on RNA splicing suggest that this variant may create or strengthen a splice site. In summary, the available evidence is currently insufficient to determine the role of this variant in disease. Therefore, it has been classified as a Variant of Uncertain Significance.